The following is an entry in ClinVar:

ClinVar aggregate classification (germline): Uncertain significance (1 of 4 stars; one submission).

Conditions:
Atrioventricular septal defect 5 (AVSD5). Identifiers: MedGen C3280939, MONDO:0013769, OMIM 614474.

Allele frequency attached by ClinVar (database versions not stated): ExAC 0.00001.

Submission:

Labcorp Genetics (formerly Invitae), Labcorp
Classification: Uncertain significance for Atrioventricular septal defect 5. Last evaluated: 2022-07-29. Review status: criteria provided, single submitter. Criteria: Invitae Variant Classification Sherloc (09022015). Collection method: clinical testing. Allele origin: germline.
Comment: The frequency data for this variant in the population databases is considered unreliable, as metrics indicate poor data quality at this position in the gnomAD database. This variant has not been reported in the literature in individuals affected with GATA6-related conditions. Algorithms developed to predict the effect of missense changes on protein structure and function are either unavailable or do not agree on the potential impact of this missense change (SIFT: "Deleterious"; PolyPhen-2: "Benign"; Align-GVGD: "Class C0"). In summary, the available evidence is currently insufficient to determine the role of this variant in disease. Therefore, it has been classified as a Variant of Uncertain Significance. This sequence change replaces serine, which is neutral and polar, with glycine, which is neutral and non-polar, at codon 125 of the GATA6 protein (p.Ser125Gly).

NM_005257.6(GATA6):c.373A>G (p.Ser125Gly)

Gene: GATA6 (GATA binding protein 6; plus strand). Cytogenetic location: 18q11.2.
Variant type: single nucleotide variant.
Coding change: c.373A>G on transcript NM_005257.6 (MANE Select); coding-DNA position 373, A replaced by G.
Protein change: p.Ser125Gly; replaces serine 125 with glycine.
Molecular consequence: missense variant.
Genome position (GRCh38, 1-based): chr18:22,171,517, A>G. VCF-style: chr18-22171517-A-G. GRCh37 (hg19) VCF-style: chr18-19751478-A-G.
Other names: short protein forms S125G.
Identifiers: ClinVar variation 1935019 (VCV001935019.5), dbSNP rs759976914, ClinGen allele CA8908876.
Genomic context (GRCh38, chr18:22,171,517, plus strand): 5'-AACCTGTCGAGCTGGGAGGACTTGCTGCTGTTCACTGACCTCGACCAAGCCGCGACCGCC[A>G]GCAAGCTGCTGTGGTCCAGCCGCGGCGCCAAGCTGAGCCCCTTCGCACCCGAGCAGCCGG-3'
Protein context (NP_005248.2, residues 115-135): FTDLDQAATA[Ser125Gly]KLLWSSRGAK